The following is an entry in ClinVar:

ClinVar aggregate classification (germline): Likely benign (1 of 4 stars; one submission).

gnomAD v4.1: 592 of 161,406 alleles (0.37%); highest among the groups gnomAD compares: African/African-American, 1%; 1 homozygote.

Submission:

CeGaT Center for Human Genetics Tuebingen
Classification: Likely benign. Last evaluated: 2026-07-01. Review status: criteria provided, single submitter. Criteria: CeGaT Center For Human Genetics Tuebingen Variant Classification Criteria Version 2. Collection method: clinical testing. Allele origin: germline. Affected: yes. Observed: 3 variant alleles.
Comment: RNU12: BS1

NR_029422.2(RNU12):n.102A>G

Gene: RNU12 (RNA, U12 small nuclear; plus strand). Cytogenetic location: 22q13.2.
Variant type: single nucleotide variant.
Molecular consequence: non-coding transcript variant (on NR_029422.2).
Genome position: GRCh38 VCF-style: chr22-42615345-A-G. GRCh37 (hg19) VCF-style: chr22-43011351-A-G.
Identifiers: ClinVar variation 4534615 (VCV004534615.6).